The following is an entry in ClinVar:

NM_000435.3(NOTCH3):c.6409C>G (p.Leu2137Val)

Gene: NOTCH3 (notch receptor 3; minus strand). Cytogenetic location: 19p13.12.
Variant type: single nucleotide variant.
Coding change: c.6409C>G on transcript NM_000435.3 (MANE Select); coding-DNA position 6409, C replaced by G.
Protein change: p.Leu2137Val; replaces leucine 2137 with valine.
Molecular consequence: missense variant.
Genome position (GRCh38, 1-based): chr19:15,161,219, G>C on the plus strand (C>G on the coding strand, the complement: NOTCH3 is on the minus strand). VCF-style: chr19-15161219-G-C. GRCh37 (hg19) VCF-style: chr19-15272030-G-C.
Other names: c.6409C>G (NM_000435.2); short protein forms L2137V.
Identifiers: ClinVar variation 1386605 (VCV001386605.10), dbSNP rs2046639059, ClinGen allele CA404488350.

ClinVar aggregate classification (germline): Uncertain significance. Review status: criteria provided, multiple submitters, no conflicts (2 of 4 stars). 3 submissions from 3 submitters: Uncertain significance (3). Last evaluated 2023-11-17.

Conditions:
Inborn genetic diseases. Identifiers: MedGen C0950123, MeSH D030342.

Allele frequency attached by ClinVar (database versions not stated): TOPMed below 0.00001.
gnomAD v4.1: 16 of 1,546,838 alleles (0.001%); highest among the groups gnomAD compares: Non-Finnish European, 0.0013%; no homozygotes.

Submissions (3):

Ambry Genetics
Classification: Uncertain significance for Inborn genetic diseases. Last evaluated: 2023-11-17. Review status: criteria provided, single submitter. Criteria: Ambry Variant Classification Scheme 2023. Collection method: clinical testing. Allele origin: germline.

Athena Diagnostics
Classification: Uncertain significance. Last evaluated: 2023-10-02. Review status: criteria provided, single submitter. Criteria: Athena Diagnostics Criteria. Collection method: clinical testing. Allele origin: unknown.
Comment: Available data are insufficient to determine the clinical significance of the variant at this time. This variant has not been reported in large, multi-ethnic general populations. Computational tools disagree on the variant's effect on normal protein function. Greater than 90% of NOTCH3 pathogenic variants associated with CADASIL involve the gain or loss of a cysteine residue within the epidermal growth factor (EGF)-like repeat domain (PMID: 32457593, 20301673).

Labcorp Genetics (formerly Invitae), Labcorp
Classification: Uncertain significance. Last evaluated: 2022-07-12. Review status: criteria provided, single submitter. Criteria: Invitae Variant Classification Sherloc (09022015). Collection method: clinical testing. Allele origin: germline.
Comment: This variant is not present in population databases (gnomAD no frequency). In summary, the available evidence is currently insufficient to determine the role of this variant in disease. Therefore, it has been classified as a Variant of Uncertain Significance. Advanced modeling of protein sequence and biophysical properties (such as structural, functional, and spatial information, amino acid conservation, physicochemical variation, residue mobility, and thermodynamic stability) performed at Invitae indicates that this missense variant is not expected to disrupt NOTCH3 protein function. ClinVar contains an entry for this variant (Variation ID: 1386605). This variant has not been reported in the literature in individuals affected with NOTCH3-related conditions. This sequence change replaces leucine, which is neutral and non-polar, with valine, which is neutral and non-polar, at codon 2137 of the NOTCH3 protein (p.Leu2137Val).